The following is an entry in ClinVar:

NM_004329.3(BMPR1A):c.479T>C (p.Met160Thr)

Gene: BMPR1A (bone morphogenetic protein receptor type 1A; plus strand). Cytogenetic location: 10q23.2.
Variant type: single nucleotide variant.
Coding change: c.479T>C on transcript NM_004329.3 (MANE Select); coding-DNA position 479, T replaced by C.
Protein change: p.Met160Thr; replaces methionine 160 with threonine.
Molecular consequence: missense variant.
Genome position (GRCh38, 1-based): chr10:86,900,075, T>C. VCF-style: chr10-86900075-T-C. GRCh37 (hg19) VCF-style: chr10-88659832-T-C.
Other names: c.479T>C, p.Met160Thr (NM_001406559.1, NM_001406560.1, NM_001406561.1 and 22 more transcripts); c.395T>C, p.Met132Thr (NM_001406584.1, NM_001406585.1, NM_001406586.1 and 2 more transcripts); short protein forms M160T, M132T.
Identifiers: ClinVar variation 1743167 (VCV001743167.2), dbSNP rs2539494599, ClinGen allele CA377450393.

ClinVar aggregate classification (germline): Uncertain significance (1 of 4 stars; one submission).

Conditions:
Hereditary cancer-predisposing syndrome. Also called: Hereditary Cancer Syndrome; Neoplastic Syndromes, Hereditary; Tumor predisposition; Hereditary neoplastic syndrome. Identifiers: Orphanet 140162, MedGen C0027672, MeSH D009386, MONDO:0015356.

Submission:

Ambry Genetics
Classification: Uncertain significance for Hereditary cancer-predisposing syndrome. Last evaluated: 2021-09-16. Review status: criteria provided, single submitter. Criteria: Ambry Variant Classification Scheme 2023. Collection method: clinical testing. Allele origin: germline.
Comment: The p.M160T variant (also known as c.479T>C), located in coding exon 5 of the BMPR1A gene, results from a T to C substitution at nucleotide position 479. The methionine at codon 160 is replaced by threonine, an amino acid with similar properties. This amino acid position is highly conserved in available vertebrate species. In addition, this alteration is predicted to be deleterious by in silico analysis. Since supporting evidence is limited at this time, the clinical significance of this alteration remains unclear.